The following is an entry in ClinVar:

ClinVar aggregate classification (germline): Uncertain significance (1 of 4 stars; one submission).

Conditions:
Atrial standstill 1 (ATRST1). Also called: Atrial standstill, digenic (GJA5/SCN5A); ATRIAL CARDIOMYOPATHY WITH HEART BLOCK; CARDIOMYOPATHY, FAMILIAL, WITH CONDUCTION DISTURBANCE. Identifiers: Orphanet 1344, MedGen C4551959, MONDO:0007171, OMIM 108770.
Atrial fibrillation, familial, 11 (ATFB11). Identifiers: MedGen C3279693, MONDO:0013544, OMIM 614049.

Allele frequency attached by ClinVar (database versions not stated): gnomAD exomes below 0.00001; TOPMed 0.00001.
gnomAD v4.1: 7 of 1,614,010 alleles (0.00043%); highest among the groups gnomAD compares: Admixed American, 0.0017%; no homozygotes.

Submission:

Labcorp Genetics (formerly Invitae), Labcorp
Classification: Uncertain significance for Atrial fibrillation, familial, 11; Atrial standstill 1. Last evaluated: 2023-03-07. Review status: criteria provided, single submitter. Criteria: Invitae Variant Classification Sherloc (09022015). Collection method: clinical testing. Allele origin: germline.
Comment: In summary, the available evidence is currently insufficient to determine the role of this variant in disease. Therefore, it has been classified as a Variant of Uncertain Significance. Advanced modeling of protein sequence and biophysical properties (such as structural, functional, and spatial information, amino acid conservation, physicochemical variation, residue mobility, and thermodynamic stability) performed at Invitae indicates that this missense variant is not expected to disrupt GJA5 protein function. This variant has not been reported in the literature in individuals affected with GJA5-related conditions. This variant is not present in population databases (gnomAD no frequency). This sequence change replaces proline, which is neutral and non-polar, with leucine, which is neutral and non-polar, at codon 193 of the GJA5 protein (p.Pro193Leu).

NM_181703.4(GJA5):c.578C>T (p.Pro193Leu)

Genes: GJA5 (gap junction protein alpha 5; minus strand), LOC122128420 (Sharpr-MPRA regulatory region 3144; plus strand). Cytogenetic location: 1q21.2.
Variant type: single nucleotide variant.
Coding change: c.578C>T on transcript NM_181703.4 (MANE Select); coding-DNA position 578, C replaced by T.
Protein change: p.Pro193Leu; replaces proline 193 with leucine.
Molecular consequence: missense variant.
Genome position (GRCh38, 1-based): chr1:147,758,661, G>A on the plus strand (C>T on the coding strand, the complement: GJA5 is on the minus strand). VCF-style: chr1-147758661-G-A. GRCh37 (hg19) VCF-style: chr1-147230769-G-A.
Other names: c.578C>T, p.Pro193Leu (NM_005266.7); short protein forms P193L.
Identifiers: ClinVar variation 2936622 (VCV002936622.3), dbSNP rs985942801, ClinGen allele CA30068821.